The following is an entry in ClinVar:

ClinVar aggregate classification (germline): Uncertain significance (1 of 4 stars; one submission).

Conditions:
Gorlin syndrome. Also called: Nevoid Basal Cell Carcinoma Syndrome; Basal cell nevus syndrome. Identifiers: Orphanet 377, MedGen C0004779, MONDO:0007187.

Submission:

Labcorp Genetics (formerly Invitae), Labcorp
Classification: Uncertain significance for Gorlin syndrome. Last evaluated: 2020-01-17. Review status: criteria provided, single submitter. Criteria: Invitae Variant Classification Sherloc (09022015). Collection method: clinical testing. Allele origin: germline.
Comment: In summary, the available evidence is currently insufficient to determine the role of this variant in disease. Therefore, it has been classified as a Variant of Uncertain Significance. Algorithms developed to predict the effect of missense changes on protein structure and function (SIFT, PolyPhen-2, Align-GVGD) all suggest that this variant is likely to be tolerated, but these predictions have not been confirmed by published functional studies and their clinical significance is uncertain. This variant has not been reported in the literature in individuals with PTCH1-related conditions. This variant is not present in population databases (ExAC no frequency). This sequence change replaces histidine with tyrosine at codon 1277 of the PTCH1 protein (p.His1277Tyr). The histidine residue is weakly conserved and there is a moderate physicochemical difference between histidine and tyrosine.

NM_000264.5(PTCH1):c.3829C>T (p.His1277Tyr)

Gene: PTCH1 (patched 1; minus strand). Cytogenetic location: 9q22.32.
Variant type: single nucleotide variant.
Coding change: c.3829C>T on transcript NM_000264.5 (MANE Select); coding-DNA position 3829, C replaced by T.
Protein change: p.His1277Tyr; replaces histidine 1277 with tyrosine.
Molecular consequence: missense variant. On other transcripts: non-coding transcript variant (1).
Genome position (GRCh38, 1-based): chr9:95,447,427, G>A on the plus strand (C>T on the coding strand, the complement: PTCH1 is on the minus strand). VCF-style: chr9-95447427-G-A. GRCh37 (hg19) VCF-style: chr9-98209709-G-A.
Other names: c.3631C>T, p.His1211Tyr (NM_001083602.3); c.3826C>T, p.His1276Tyr (NM_001083603.3); c.3376C>T, p.His1126Tyr (NM_001083604.3, NM_001083605.3, NM_001083606.3 and 1 more transcripts); c.3673C>T, p.His1225Tyr (NM_001354918.2); short protein forms H1126Y, H1211Y, H1225Y, H1276Y, H1277Y.
Identifiers: ClinVar variation 1003266 (VCV001003266.12), dbSNP rs1838054298, ClinGen allele CA374110836.